The following is an entry in ClinVar:

NM_017763.6(RNF43):c.1814C>A (p.Ala605Asp)

Gene: RNF43 (ring finger protein 43; minus strand). Cytogenetic location: 17q22.
Variant type: single nucleotide variant.
Coding change: c.1814C>A on transcript NM_017763.6 (MANE Select); coding-DNA position 1814, C replaced by A.
Protein change: p.Ala605Asp; replaces alanine 605 with aspartic acid.
Molecular consequence: missense variant.
Genome position (GRCh38, 1-based): chr17:58,357,962, G>T on the plus strand (C>A on the coding strand, the complement: RNF43 is on the minus strand). VCF-style: chr17-58357962-G-T. GRCh37 (hg19) VCF-style: chr17-56435323-G-T.
Other names: c.1814C>A, p.Ala605Asp (NM_001305544.3, NM_001438820.1, NM_001438821.1 and 1 more transcripts); c.1433C>A, p.Ala478Asp (NM_001305545.2, NM_001437987.1); short protein forms A478D, A605D.
Identifiers: ClinVar variation 4155751 (VCV004155751.1).

ClinVar aggregate classification (germline): Uncertain significance (1 of 4 stars; one submission).

Submission:

Ambry Genetics
Classification: Uncertain significance. Last evaluated: 2025-07-16. Review status: criteria provided, single submitter. Criteria: Ambry Variant Classification Scheme 2023. Collection method: clinical testing. Allele origin: germline.
Comment: The p.A605D variant (also known as c.1814C>A), located in coding exon 8 of the RNF43 gene, results from a C to A substitution at nucleotide position 1814. The alanine at codon 605 is replaced by aspartic acid, an amino acid with dissimilar properties. This amino acid position is conserved. In addition, this alteration is predicted to be tolerated by in silico analysis. Based on the available evidence, the clinical significance of this variant remains unclear.